The following is an entry in ClinVar:

NM_004360.5(CDH1):c.*8G>A

Gene: CDH1 (cadherin 1; plus strand). Cytogenetic location: 16q22.1.
Variant type: single nucleotide variant.
Coding change: c.*8G>A on transcript NM_004360.5 (MANE Select); 8 bases downstream of the stop codon, G replaced by A.
Molecular consequence: 3 prime UTR variant.
Genome position (GRCh38, 1-based): chr16:68,833,507, G>A. VCF-style: chr16-68833507-G-A. GRCh37 (hg19) VCF-style: chr16-68867410-G-A.
Other names: c.*8G>A (LRG_301t1, NM_001317184.2, NM_001317185.2 and 1 more transcripts).
Identifiers: ClinVar variation 215831 (VCV000215831.31), dbSNP rs201223411, ClinGen allele CA338149.

ClinVar aggregate classification (germline): Conflicting classifications of pathogenicity. Review status: criteria provided, conflicting classifications (1 of 4 stars). 11 submissions from 11 submitters: Uncertain significance (2); Benign (2); Likely benign (5). 2 of the submissions do not count toward it. Last evaluated 2025-05-15.

Conditions:
CDH1-related disorder. Also called: CDH1-related condition.
CDH1-related diffuse gastric and lobular breast cancer syndrome. Also called: CDH1-related diffuse gastric and lobular breast cancer. Identifiers: MedGen CN311521, MONDO:0100488.
Breast and/or ovarian cancer. Identifiers: MedGen CN221562.
Hereditary cancer-predisposing syndrome. Also called: Tumor predisposition; Hereditary Cancer Syndrome; Neoplastic Syndromes, Hereditary; Hereditary neoplastic syndrome. Identifiers: Orphanet 140162, MedGen C0027672, MeSH D009386, MONDO:0015356.
Hereditary diffuse gastric adenocarcinoma (HDGC). Also called: DIFFUSE GASTRIC AND LOBULAR BREAST CANCER SYNDROME. Identifiers: Orphanet 26106, MedGen C1708349, MONDO:0007648, OMIM 137215.

Allele frequency attached by ClinVar (database versions not stated): gnomAD exomes 0.00005 and 0.00006; ExAC 0.00007; gnomAD 0.00011; TOPMed 0.00012.
gnomAD v4.1: 99 of 1,610,244 alleles (0.0061%); highest among the groups gnomAD compares: South Asian, 0.015%; no homozygotes.

Submissions (11):

Quest Diagnostics Nichols Institute San Juan Capistrano
Classification: Likely benign. Last evaluated: 2025-05-15. Review status: criteria provided, single submitter. Criteria: Quest Diagnostics criteria. Collection method: clinical testing. Allele origin: unknown.

Myriad Genetics, Inc.
Classification: Benign for Hereditary diffuse gastric adenocarcinoma. Last evaluated: 2024-09-25. Review status: criteria provided, single submitter. Criteria: Myriad Autosomal Dominant, Autosomal Recessive and X-Linked Classification Criteria (2023). Collection method: clinical testing. Allele origin: unknown.
Comment: This variant is considered benign. This variant occurs in the non-coding 3' untranslated region of the gene, and is not expected to impact protein function.

CHEO Genetics Diagnostic Laboratory, Children's Hospital of Eastern Ontario
Classification: Likely benign for Breast and/or ovarian cancer. Last evaluated: 2022-11-14. Review status: criteria provided, single submitter. Criteria: ACMG Guidelines, 2015. Collection method: clinical testing. Allele origin: germline.

European Reference Network on Genetic Tumour Risk Syndromes (ERN-GENTURIS), i3s - Instituto de Investigação e Inovação em Saúde, University of Porto
Classification: Uncertain significance for Hereditary diffuse gastric adenocarcinoma. Last evaluated: 2022-08-01. Review status: criteria provided, single submitter. Criteria: Lee et al. (Hum Mutat. 2018). Collection method: clinical testing. Allele origin: germline. Inheritance: Autosomal dominant inheritance. Affected: no. Study: ERN GENTURIS.
Comment: BS2_Supporting (PMID: 30311375)

Department of Pathology and Laboratory Medicine, Sinai Health System
Classification: Likely benign for CDH1-related diffuse gastric and lobular breast cancer syndrome. Last evaluated: 2020-01-14. Review status: criteria provided, single submitter. Criteria: ACMG Guidelines, 2015. Collection method: clinical testing. Allele origin: germline. Affected: yes.

Color Diagnostics, LLC DBA Color Health
Classification: Likely benign for Hereditary cancer-predisposing syndrome. Last evaluated: 2016-10-26. Review status: criteria provided, single submitter. Criteria: ACMG Guidelines, 2015. Collection method: clinical testing. Allele origin: germline.

Ambry Genetics
Classification: Uncertain significance for Hereditary cancer-predisposing syndrome. Last evaluated: 2015-08-20. Review status: criteria provided, single submitter. Criteria: Ambry Variant Classification Scheme 2023. Collection method: clinical testing. Allele origin: germline.
Comment: The c.*8G>A alteration is located in the 3' untranslated region (3'UTR) of the CDH1 gene. This alteration consists of a deletion of 1 nucleotides after the last coding exon of the CDH1 gene. Based on insufficient or conflicting evidence, the clinical significance of this alteration remains unclear.

Labcorp Genetics (formerly Invitae), Labcorp
Classification: Likely benign for Hereditary diffuse gastric cancer. Last evaluated: 2015-03-27. Review status: criteria provided, single submitter. Criteria: Invitae Variant Classification Sherloc (09022015). Collection method: clinical testing. Allele origin: germline.

GeneDx
Classification: Benign. Last evaluated: 2015-03-03. Review status: criteria provided, single submitter. Criteria: GeneDx Variant Classification Process June 2021. Collection method: clinical testing. Allele origin: germline. Affected: yes.

PreventionGenetics, part of Exact Sciences
Classification: Likely benign for CDH1-related condition. Last evaluated: 2020-06-22. Review status: no assertion criteria provided. Collection method: clinical testing. Allele origin: germline. Not counted in ClinVar's aggregate classification.
Comment: This variant is classified as likely benign based on ACMG/AMP sequence variant interpretation guidelines (Richards et al. 2015 PMID: 25741868, with internal and published modifications).

Counsyl
Classification: Uncertain significance for Hereditary diffuse gastric adenocarcinoma. Last evaluated: 2016-03-01. Review status: no assertion criteria provided. Collection method: clinical testing. Allele origin: unknown. Not counted in ClinVar's aggregate classification.

Literature cited by the submitters: PubMed 36436516 (cited by Quest Diagnostics Nichols Institute San Juan Capistrano and European Reference Network on Genetic Tumour Risk Syndromes (ERN-GENTURIS), i3s - Instituto de Investigação e Inovação em Saúde, University of Porto).